The following is an entry in ClinVar:

NM_001243279.3(ACSF3):c.348G>A (p.Trp116Ter)

Gene: ACSF3 (acyl-CoA synthetase family member 3; plus strand). Cytogenetic location: 16q24.3.
Variant type: single nucleotide variant.
Coding change: c.348G>A on transcript NM_001243279.3 (MANE Select); coding-DNA position 348, G replaced by A.
Protein change: p.Trp116Ter; replaces tryptophan 116 with a stop codon.
Molecular consequence: nonsense. On other transcripts: non-coding transcript variant (3), intron variant (1).
Genome position (GRCh38, 1-based): chr16:89,101,029, G>A. VCF-style: chr16-89101029-G-A. GRCh37 (hg19) VCF-style: chr16-89167437-G-A.
Other names: c.348G>A, p.Trp116Ter (NM_001127214.4, NM_174917.5); c.-129-1575G>A (NM_001284316.2); c.348G>A (NM_174917.4); short protein forms W116*.
Identifiers: ClinVar variation 203605 (VCV000203605.13), dbSNP rs757905943, ClinGen allele CA312309.

ClinVar aggregate classification (germline): Pathogenic/Likely pathogenic. Review status: criteria provided, multiple submitters, no conflicts (2 of 4 stars). 4 submissions from 4 submitters: Pathogenic (2); Likely pathogenic (2). Last evaluated 2025-05-12.

Conditions:
Combined malonic and methylmalonic acidemia. Identifiers: Orphanet 289504, MedGen C3280314, MONDO:0013661, OMIM 614265.

Allele frequency attached by ClinVar (database versions not stated): gnomAD exomes 0.00002 and 0.00004; gnomAD 0.00001; ExAC 0.00005.

Submissions (4):

Natera, Inc.
Classification: Likely pathogenic for Combined malonic and methylmalonic aciduria. Last evaluated: 2025-05-12. Review status: criteria provided, single submitter. Criteria: Natera Variant Classification Schema (03/2026). Collection method: clinical testing. Allele origin: germline.
Comment: The c.348G>A variant in ACSF3 is a nonsense variant predicted to introduce a stop codon at amino acid 116. This variant is expected to result in nonsense mediated decay, truncation, or a dysfunctional protein product. This variant is rare in the general population with a frequency below the threshold expected for the associated phenotype(s). Given the available evidence, this variant is classified as Likely Pathogenic.

Baylor Genetics
Classification: Likely pathogenic for Combined malonic and methylmalonic acidemia. Last evaluated: 2024-02-12. Review status: criteria provided, single submitter. Criteria: ACMG Guidelines, 2015. Collection method: clinical testing. Allele origin: unknown.

Labcorp Genetics (formerly Invitae), Labcorp
Classification: Pathogenic for Combined malonic and methylmalonic acidemia. Last evaluated: 2023-10-28. Review status: criteria provided, single submitter. Criteria: Invitae Variant Classification Sherloc (09022015). Collection method: clinical testing. Allele origin: germline.
Comment: This sequence change creates a premature translational stop signal (p.Trp116*) in the ACSF3 gene. It is expected to result in an absent or disrupted protein product. Loss-of-function variants in ACSF3 are known to be pathogenic (PMID: 21841779, 26827111). This variant is present in population databases (rs757905943, gnomAD 0.03%). This variant has not been reported in the literature in individuals affected with ACSF3-related conditions. ClinVar contains an entry for this variant (Variation ID: 203605). For these reasons, this variant has been classified as Pathogenic.

Genetics and Genomic Medicine Centre, NeuroGen Healthcare, NeuroGen Healthcare
Classification: Pathogenic for Combined malonic and methylmalonic acidemia. Last evaluated: 2021-04-21. Review status: criteria provided, single submitter. Criteria: Submitter's publication. Collection method: clinical testing. Allele origin: unknown. Affected: no.

Literature cited by the submitters: PubMed 21841779 (cited by Labcorp Genetics (formerly Invitae), Labcorp); PubMed 26827111 (cited by Labcorp Genetics (formerly Invitae), Labcorp).